The following is an entry in ClinVar:

NM_001271.4(CHD2):c.2636C>T (p.Ala879Val)

Gene: CHD2 (chromodomain helicase DNA binding protein 2; plus strand). Cytogenetic location: 15q26.1.
Variant type: single nucleotide variant.
Coding change: c.2636C>T on transcript NM_001271.4 (MANE Select); coding-DNA position 2636, C replaced by T.
Protein change: p.Ala879Val; replaces alanine 879 with valine.
Molecular consequence: missense variant.
Genome position (GRCh38, 1-based): chr15:92,978,292, C>T. VCF-style: chr15-92978292-C-T. GRCh37 (hg19) VCF-style: chr15-93521522-C-T.
Other names: short protein forms A879V.
Identifiers: ClinVar variation 521364 (VCV000521364.12), dbSNP rs1555442813, ClinGen allele CA393893771.
Genomic context (GRCh38, chr15:92,978,292, plus strand): 5'-AGGACTTCTGTTTCCTGCTCTCGACAAGGGCTGGTGGCCTGGGAATCAATTTGGCTTCAG[C>T]GGACACAGTCGTCATCTTTGACTCTGACTGGAACCCCCAGAATGACTTGCAGGCACAAGC-3'
Protein context (NP_001262.3, residues 869-889): AGGLGINLAS[Ala879Val]DTVVIFDSDW

ClinVar aggregate classification (germline): Pathogenic/Likely pathogenic. Review status: criteria provided, multiple submitters, no conflicts (2 of 4 stars). 7 submissions from 7 submitters: Pathogenic (2); Likely pathogenic (4). 1 of the submissions does not count toward it. Last evaluated 2025-12-15.

Conditions:
Inborn genetic diseases. Identifiers: MedGen C0950123, MeSH D030342.
Epilepsy. Also called: Seizure disorder. Identifiers: MedGen C0014544, MeSH D004827, MONDO:0005027.
Developmental and epileptic encephalopathy 94 (DEE94). Also called: CHD2-Related Neurodevelopmental Disorders; Epileptic encephalopathy, childhood-onset. Identifiers: Orphanet 1942, Orphanet 2382, MedGen C3809278, MONDO:0014150, OMIM 615369.

Submissions (7):

Cytogénomique, Hospices Civils de Lyon
Classification: Pathogenic for Epilepsy. Last evaluated: 2025-12-15. Review status: criteria provided, single submitter. Criteria: ACMG Guidelines, 2015. Collection method: clinical testing. Allele origin: de novo. Affected: yes.

GeneDx
Classification: Pathogenic. Last evaluated: 2023-04-05. Review status: criteria provided, single submitter. Criteria: GeneDx Variant Classification Process June 2021. Collection method: clinical testing. Allele origin: germline. Affected: yes.
Comment: Not observed at significant frequency in large population cohorts (gnomAD); In silico analysis supports that this missense variant has a deleterious effect on protein structure/function; This variant is associated with the following publications: (PMID: 31130284)

Institute of Human Genetics, Clinical Exome/Genome Diagnostics Group, University Hospital Bonn
Classification: Likely pathogenic for Developmental and epileptic encephalopathy 94. Last evaluated: 2022-08-30. Review status: criteria provided, single submitter. Criteria: ACMG Guidelines, 2015. Collection method: clinical testing. Allele origin: germline. Affected: yes.

Rady Children's Institute for Genomic Medicine, Rady Children's Hospital San Diego
Classification: Likely pathogenic for EPILEPTIC ENCEPHALOPATHY, CHILDHOOD-ONSET. Last evaluated: 2019-08-29. Review status: criteria provided, single submitter. Criteria: ACMG Guidelines, 2015. Collection method: clinical testing. Allele origin: germline. Affected: yes.
Comment: This variant has been reported as Likely Pathogenic by a clinical laboratoy in the ClinVar database (Variation ID: 521364). It is absent from the ExAC and gnomAD population databases and thus is presumed to be rare. The c.2636C>T (p.Ala879Val) variant affects a highly conserved amino acid and is predicted by multiple in silico tools to have a deleterious effect on protein function. Analysis of the parental samples was negative for the variant, indicating this variant likely occurred as a de novo event. Based on the available evidence, the c.2636C>T (p.Ala879Val) variant is classified as Likely Pathogenic.

Ambry Genetics
Classification: Likely pathogenic for Inborn genetic diseases. Last evaluated: 2016-11-01. Review status: criteria provided, single submitter. Criteria: Ambry exome assertion method (8-5-2015). Collection method: clinical testing. Allele origin: germline. Affected: yes. Observed: 1 variant allele.

Juno Genomics, Hangzhou Juno Genomics, Inc
Classification: Likely pathogenic for Developmental and epileptic encephalopathy 94. Review status: criteria provided, single submitter. Criteria: ACMG Guidelines, 2015. Collection method: clinical testing. Allele origin: germline. Affected: yes.
Comment: Absent from controls (or at extremely low frequency if recessive) in Genome Aggregation Database, Exome Sequencing Project, 1000 Genomes Project, or Exome Aggregation Consortium.;Missense variant in a gene that has a low rate of benign missense variation and where missense variants are a common mechanism of disease.;Multiple lines of computational evidence support a deleterious effect on the gene or gene product (conservation, evolutionary, splicing impact, etc).;De novo (both maternity and paternity confirmed) in a patient with the disease and no family history.;The prevalence of the variant in affected individuals is significantly increased compared to the prevalence in controls.;Patient's phenotype or family history is highly specific for a disease with a single genetic etiology.

Genomic Medicine Center of Excellence, King Faisal Specialist Hospital and Research Centre
Classification: Uncertain significance for Developmental and epileptic encephalopathy 94. Last evaluated: 2025-09-10. Review status: flagged submission. Criteria: ACMG Guidelines, 2015. Collection method: clinical testing. Allele origin: germline. Not counted in ClinVar's aggregate classification.
ClinVar note: Reason: Outlier claim with insufficient supporting evidence

Literature cited by the submitters: PubMed 15988005 (cited by Ambry Genetics).